The following is an entry in ClinVar:

ClinVar aggregate classification (germline): Likely pathogenic (1 of 4 stars; one submission).

Submission:

GeneDx
Classification: Likely pathogenic. Last evaluated: 2021-06-09. Review status: criteria provided, single submitter. Criteria: GeneDx Variant Classification Process June 2021. Collection method: clinical testing. Allele origin: germline. Affected: yes.
Comment: Not observed at significant frequency in large population cohorts (Lek et al., 2016); In silico analysis supports that this missense variant has a deleterious effect on protein structure/function; This variant is associated with the following publications: (PMID: 27535533, 30919572)

NM_001378615.1(CC2D2A):c.2993A>T (p.Glu998Val)

Genes: CC2D2A (coiled-coil and C2 domain containing 2A; plus strand), FBXL5 (F-box and leucine rich repeat protein 5; minus strand). Cytogenetic location: 4p15.32.
Variant type: single nucleotide variant.
Coding change: c.2993A>T on transcript NM_001378615.1 (MANE Select); coding-DNA position 2993, A replaced by T.
Protein change: p.Glu998Val; replaces glutamic acid 998 with valine.
Molecular consequence: missense variant.
Genome position (GRCh38, 1-based): chr4:15,560,601, A>T. VCF-style: chr4-15560601-A-T. GRCh37 (hg19) VCF-style: chr4-15562224-A-T.
Other names: c.2993A>T, p.Glu998Val (NM_001080522.2); c.2846A>T, p.Glu949Val (NM_001378617.1); short protein forms E949V, E998V.
Identifiers: ClinVar variation 1198226 (VCV001198226.2), dbSNP rs2109061743, ClinGen allele CA356414079.